The following is an entry in ClinVar:

NM_001035.3(RYR2):c.11689G>C (p.Val3897Leu)

Gene: RYR2 (ryanodine receptor 2; plus strand). Cytogenetic location: 1q43.
Variant type: single nucleotide variant.
Coding change: c.11689G>C on transcript NM_001035.3 (MANE Select); coding-DNA position 11689, G replaced by C.
Protein change: p.Val3897Leu; replaces valine 3897 with leucine.
Molecular consequence: missense variant.
Genome position (GRCh38, 1-based): chr1:237,773,562, G>C. VCF-style: chr1-237773562-G-C. GRCh37 (hg19) VCF-style: chr1-237936862-G-C.
Other names: short protein forms V3897L.
Identifiers: ClinVar variation 2143282 (VCV002143282.4), dbSNP rs1573893061, ClinGen allele CA345407752.

ClinVar aggregate classification (germline): Uncertain significance (1 of 4 stars; one submission).

Conditions:
Catecholaminergic polymorphic ventricular tachycardia 1. Also called: VENTRICULAR TACHYCARDIA, STRESS-INDUCED POLYMORPHIC 1; RYR2-Related Catecholaminergic Polymorphic Ventricular Tachycardia; VENTRICULAR TACHYCARDIA, CATECHOLAMINERGIC POLYMORPHIC, 1, WITH OR WITHOUT ATRIAL DYSFUNCTION AND/OR DILATED CARDIOMYOPATHY. Identifiers: Orphanet 3286, MedGen C1631597, MONDO:0011484, OMIM 604772.

Submission:

Labcorp Genetics (formerly Invitae), Labcorp
Classification: Uncertain significance for Catecholaminergic polymorphic ventricular tachycardia 1. Last evaluated: 2025-12-01. Review status: criteria provided, single submitter. Criteria: Invitae Variant Classification Sherloc (09022015). Collection method: clinical testing. Allele origin: germline.
Comment: This sequence change replaces valine, which is neutral and non-polar, with leucine, which is neutral and non-polar, at codon 3897 of the RYR2 protein (p.Val3897Leu). This variant is not present in population databases (gnomAD no frequency). This variant has not been reported in the literature in individuals affected with RYR2-related conditions. ClinVar contains an entry for this variant (Variation ID: 2143282). Invitae Evidence Modeling of protein sequence and biophysical properties (such as structural, functional, and spatial information, amino acid conservation, physicochemical variation, residue mobility, and thermodynamic stability) indicates that this missense variant is not expected to disrupt RYR2 protein function with a negative predictive value of 95%. In summary, the available evidence is currently insufficient to determine the role of this variant in disease. Therefore, it has been classified as a Variant of Uncertain Significance.